The following is an entry in ClinVar:

ClinVar aggregate classification (germline): Uncertain significance (1 of 4 stars; one submission).

Conditions:
Epidermolysis bullosa simplex 5B, with muscular dystrophy (EBS5B). Also called: EPIDERMOLYSIS BULLOSA SIMPLEX AND LIMB-GIRDLE MUSCULAR DYSTROPHY; Epidermolysis bullosa simplex with muscular dystrophy. Identifiers: Orphanet 257, MedGen C2931072, MONDO:0009181, OMIM 226670.
Autosomal recessive limb-girdle muscular dystrophy type 2Q (LGMDR17). Also called: MUSCULAR DYSTROPHY, LIMB-GIRDLE, AUTOSOMAL RECESSIVE 17. Identifiers: Orphanet 254361, MedGen C3150989, MONDO:0013390, OMIM 613723.
Epidermolysis bullosa simplex, Ogna type (EBS5A). Also called: Pidermolysis bullosa simplex 5A, Ogna type; EPIDERMOLYSIS BULLOSA SIMPLEX 5A, OGNA TYPE. Identifiers: Orphanet 79401, MedGen C0432317, MONDO:0007555, OMIM 131950.
Epidermolysis bullosa simplex 5C, with pyloric atresia (EBS5C). Also called: PLEC-Related Epidermolysis Bullosa with Pyloric Atresia; Epidermolysis bullosa simplex with pyloric atresia; PLEC1-Related Epidermolysis Bullosa with Pyloric Atresia. Identifiers: Orphanet 158684, MedGen C2677349, MONDO:0012807, OMIM 612138.
Epidermolysis bullosa simplex with nail dystrophy (EBS5D). Identifiers: MedGen C4225309, MONDO:0014661, OMIM 616487.

Allele frequency attached by ClinVar (database versions not stated): gnomAD exomes 0.00001; TOPMed 0.00001.
gnomAD v4.1: 16 of 1,579,002 alleles (0.001%); highest among the groups gnomAD compares: Middle Eastern, 0.017%; no homozygotes.

Submission:

Labcorp Genetics (formerly Invitae), Labcorp
Classification: Uncertain significance for Autosomal recessive limb-girdle muscular dystrophy type 2Q; Epidermolysis bullosa simplex, Ogna type; Epidermolysis bullosa simplex with nail dystrophy; Epidermolysis bullosa simplex 5C, with pyloric atresia; Epidermolysis bullosa simplex 5B, with muscular dystrophy. Last evaluated: 2025-12-11. Review status: criteria provided, single submitter. Criteria: Invitae Variant Classification Sherloc (09022015). Collection method: clinical testing. Allele origin: germline.
Comment: This sequence change replaces arginine, which is basic and polar, with histidine, which is basic and polar, at codon 824 of the PLEC protein (p.Arg824His). The frequency data for this variant in the population databases is considered unreliable, as metrics indicate poor data quality at this position in the gnomAD database. This variant has not been reported in the literature in individuals affected with PLEC-related conditions. ClinVar contains an entry for this variant (Variation ID: 2179885). Invitae Evidence Modeling of protein sequence and biophysical properties (such as structural, functional, and spatial information, amino acid conservation, physicochemical variation, residue mobility, and thermodynamic stability) indicates that this missense variant is not expected to disrupt PLEC protein function with a negative predictive value of 80%. In summary, the available evidence is currently insufficient to determine the role of this variant in disease. Therefore, it has been classified as a Variant of Uncertain Significance.

NM_201384.3(PLEC):c.2390G>A (p.Arg797His)

Gene: PLEC (plectin; minus strand). Cytogenetic location: 8q24.3.
Variant type: single nucleotide variant.
Coding change: c.2390G>A on transcript NM_201384.3 (MANE Select); coding-DNA position 2390, G replaced by A.
Protein change: p.Arg797His; replaces arginine 797 with histidine.
Molecular consequence: missense variant.
Genome position (GRCh38, 1-based): chr8:143,930,451, C>T on the plus strand (G>A on the coding strand, the complement: PLEC is on the minus strand). VCF-style: chr8-143930451-C-T. GRCh37 (hg19) VCF-style: chr8-145004619-C-T.
Other names: c.2471G>A, p.Arg824His (NM_000445.5, NM_001410941.1); c.2348G>A, p.Arg783His (NM_201378.4); c.2324G>A, p.Arg775His (NM_201379.3); c.2801G>A, p.Arg934His (NM_201380.4); c.2294G>A, p.Arg765His (NM_201381.3); c.2390G>A, p.Arg797His (NM_201382.4); c.2402G>A, p.Arg801His (NM_201383.3); short protein forms R775H, R797H, R801H, R783H, R934H, R765H, R824H.
Identifiers: ClinVar variation 2179885 (VCV002179885.4), dbSNP rs1331262541, ClinGen allele CA372574682.